The following is an entry in ClinVar:

Conditions:
Breast-ovarian cancer, familial, susceptibility to, 1 (BROVCA1). Also called: BRCA1 Hereditary Breast and Ovarian Cancer; OVARIAN CANCER, SUSCEPTIBILITY TO. Identifiers: Orphanet 145, MedGen C2676676, MONDO:0011450, OMIM 604370. Disease mechanism: loss of function.

Submission:

Brotman Baty Institute, University of Washington
No classification provided (evidence only). Condition: Breast-ovarian cancer, familial 1. Review status: no classification provided. Collection method: in vitro. Allele origin: not applicable. Functional consequence: functionally_normal.
ClinVar note: "not provided" was previously submitted as the classification for the variant. However, the classification appeared to be based only on an observation of functional data so it was converted to no classification on 2025-07-30.

NM_007294.4(BRCA1):c.4987-4T>A

Gene: BRCA1 (BRCA1 DNA repair associated; minus strand). Cytogenetic location: 17q21.31.
Variant type: single nucleotide variant.
Coding change: c.4987-4T>A on transcript NM_007294.4 (MANE Select); 4 bases into the intron before coding-DNA position 4987, T replaced by A.
Molecular consequence: intron variant.
Genome position (GRCh38, 1-based): chr17:43,067,699, A>T on the plus strand (T>A on the coding strand, the complement: BRCA1 is on the minus strand). VCF-style: chr17-43067699-A-T. GRCh37 (hg19) VCF-style: chr17-41219716-A-T.
Other names: c.1534-4T>A (NM_001408458.1, NM_001408461.1, NM_001408464.1 and 7 more transcripts); c.4096-4T>A (NM_001407967.1); c.4606-4T>A (NM_001407959.1); c.4720-4T>A (NM_001407931.1, NM_001407932.1, NM_001407928.1 and 4 more transcripts); c.4843-4T>A (NM_001407747.1, NM_001407745.1, NM_001407737.1 and 21 more transcripts); c.4603-4T>A (NM_001407962.1, NM_001407960.1); c.1174-4T>A (NM_001408512.1); c.1297-4T>A (NM_001408510.1); and 71 more.
Identifiers: ClinVar variation 868896 (VCV000868896.3), dbSNP rs1157151499, ClinGen allele CA916080167.
Genomic context (GRCh38, chr17:43,067,699, plus strand): 5'-AGTAATTAGATTAGTTAAAGTGATGTGGTGTTTTCTGGCAAACTTGTACACGAGCATCTG[A>T]AATTAAATCAAATATTCCATTATCATGAGTTACCTCTAGCACACAGCTCAGAATACTAGT-3'